The following is an entry in ClinVar:

NC_000014.8:g.(?_23861751)_(23889463_?)del

Genes: MIR208B (microRNA 208b; minus strand), MYH6 (myosin heavy chain 6; minus strand), MYH7 (myosin heavy chain 7; minus strand). Cytogenetic location: 14q11.2.
Variant type: Deletion.
Identifiers: ClinVar variation 2422696 (VCV002422696.2).

ClinVar aggregate classification (germline): Uncertain significance (1 of 4 stars; one submission).

Conditions:
Hypertrophic cardiomyopathy. Also called: HYPERTROPHIC MYOCARDIOPATHY. Identifiers: Orphanet 217569, MedGen C0007194, MeSH D002312, MONDO:0005045, HP:0001639.

Submission:

Labcorp Genetics (formerly Invitae), Labcorp
Classification: Uncertain significance for Hypertrophic cardiomyopathy. Last evaluated: 2022-09-07. Review status: criteria provided, single submitter. Criteria: Invitae Variant Classification Sherloc (09022015). Collection method: clinical testing. Allele origin: germline.
Comment: This variant is a gross deletion of the genomic region encompassing exon(s) 27-40 of the MYH7 gene, which includes the termination codon. This deletion extends beyond the assayed region for this gene and therefore may encompass additional genes. While this deletion is not anticipated to lead to nonsense mediated decay, it is expected to alter mRNA translation or result in a truncated protein product. This variant has not been reported in the literature in individuals affected with MYH7-related conditions. Experimental studies and prediction algorithms are not available or were not evaluated, and the functional significance of this variant is currently unknown. In summary, the available evidence is currently insufficient to determine the role of this variant in disease. Therefore, it has been classified as a Variant of Uncertain Significance.